The following is an entry in ClinVar:

NM_003282.4(TNNI2):c.333A>G (p.Pro111=)

Gene: TNNI2 (troponin I2, fast skeletal type; plus strand). Cytogenetic location: 11p15.5.
Variant type: single nucleotide variant.
Coding change: c.333A>G on transcript NM_003282.4 (MANE Select); coding-DNA position 333, A replaced by G.
Protein change: p.Pro111=; no amino-acid change (proline 111 retained).
Molecular consequence: synonymous variant.
Genome position (GRCh38, 1-based): chr11:1,841,087, A>G. VCF-style: chr11-1841087-A-G. GRCh37 (hg19) VCF-style: chr11-1862317-A-G.
Other names: c.333A>G, p.Pro111= (NM_001145829.2, NM_001145841.2).
Identifiers: ClinVar variation 281740 (VCV000281740.12), dbSNP rs201133081, ClinGen allele CA5815241.
Genomic context (GRCh38, chr11:1,841,087, plus strand): 5'-ACAGCTGGAGGACATGAACCAGAAGCTATTTGATCTGCGGGGCAAGTTCAAGCGGCCCCC[A>G]CTGCGGAGGGTGCGCATGTCGGCCGATGCCATGCTCAAGGCCCTGCTGGGCTCGAAGCAC-3'
Protein context (NP_003273.1, residues 101-121): FDLRGKFKRP[Pro111=]LRRVRMSADA

ClinVar aggregate classification (germline): Conflicting classifications of pathogenicity. Review status: criteria provided, conflicting classifications (1 of 4 stars). 4 submissions from 4 submitters: Uncertain significance (1); Benign (2); Likely benign (1). Last evaluated 2024-11-13.

Conditions:
Distal arthrogryposis type 2B1 (DA2B1). Also called: Arthrogryposis multiplex congenita distal type II with craniofacial abnormalities. Identifiers: Orphanet 1147, MedGen C5193014, MONDO:0020820, OMIM 601680.

Allele frequency attached by ClinVar (database versions not stated): gnomAD 0.00021 and 0.00035; ESP Exome Variant Server 0.00023; TOPMed 0.00030; gnomAD exomes 0.00057 and 0.00076; ExAC 0.00077; 1000 Genomes Project 0.00140; 1000 Genomes Project 30x 0.00141.
gnomAD v4.1: 904 of 1,613,188 alleles (0.056%); highest among the groups gnomAD compares: Middle Eastern, 0.69%; 4 homozygotes.

Submissions (4):

Blueprint Genetics
Classification: Likely benign. Last evaluated: 2024-11-13. Review status: criteria provided, single submitter. Criteria: ACMG Guidelines, 2015. Collection method: clinical testing. Allele origin: germline.

GeneDx
Classification: Benign. Last evaluated: 2018-12-18. Review status: criteria provided, single submitter. Criteria: GeneDx Variant Classification Process June 2021. Collection method: clinical testing. Allele origin: germline. Affected: yes.

Illumina Laboratory Services, Illumina
Classification: Benign for Distal arthrogryposis type 2B1. Last evaluated: 2018-03-14. Review status: criteria provided, single submitter. Criteria: ICSL Variant Classification Criteria 13 December 2019. Collection method: clinical testing. Allele origin: germline.
Comment: This variant was observed in the ICSL laboratory as part of a predisposition screen in an ostensibly healthy population. It had not been previously curated by ICSL or reported in the Human Gene Mutation Database (HGMD: prior to June 1st, 2018), and was therefore a candidate for classification through an automated scoring system. Utilizing variant allele frequency, disease prevalence and penetrance estimates, and inheritance mode, an automated score was calculated to assess if this variant is too frequent to cause the disease. Based on the score and internal cut-off values, a variant classified as benign is not then subjected to further curation. The score for this variant resulted in a classification of benign for this disease.

Eurofins Ntd Llc (ga)
Classification: Uncertain significance. Last evaluated: 2015-06-23. Review status: criteria provided, single submitter. Criteria: EGL Classification Definitions 2015. Collection method: clinical testing. Allele origin: germline. Observed: 1 variant allele, 1 heterozygote.